The following is an entry in ClinVar:

ClinVar aggregate classification (germline): Uncertain significance (1 of 4 stars; one submission).

Submission:

GeneDx
Classification: Uncertain significance. Last evaluated: 2024-01-27. Review status: criteria provided, single submitter. Criteria: GeneDx Variant Classification Process June 2021. Collection method: clinical testing. Allele origin: germline. Affected: yes.
Comment: Not observed at significant frequency in large population cohorts (gnomAD); In-frame deletion of 1 amino acids in a non-repeat region; In silico analysis supports a deleterious effect on protein structure/function; Has not been previously published as pathogenic or benign to our knowledge

NM_001273.5(CHD4):c.1326_1328del (p.Glu444del)

Gene: CHD4 (chromodomain helicase DNA binding protein 4; minus strand). Cytogenetic location: 12p13.31.
Variant type: Deletion.
Coding change: c.1326_1328del on transcript NM_001273.5 (MANE Select); coding-DNA positions 1326 to 1328, 3 bases deleted (AGA; older notation c.1326_1328delAGA).
Protein change: p.Glu444del; deletes glutamic acid 444.
Molecular consequence: inframe deletion.
Genome position (GRCh38, 1-based): chr12:6,599,927-6,599,929, TCT deleted on the plus strand (AGA on the coding strand, the reverse complement: CHD4 is on the minus strand); deleting any 3 consecutive bases within chr12:6,599,927-6,599,931 gives the same sequence; the c. name uses the placement nearest the transcript's 3' end. VCF-style (leftmost placement, unchanged base first): chr12-6599926-CTCT-C. GRCh37 (hg19) VCF-style: chr12-6709092-CTCT-C.
Other names: c.1305_1307del, p.Glu437del (NM_001297553.2); c.1287_1289del, p.Glu431del (NM_001363606.2); short protein forms E431del, E437del, E444del.
Identifiers: ClinVar variation 3368308 (VCV003368308.1).
Genomic context (GRCh38, chr12:6,599,926, plus strand): 5'-GCAGAGCAGTTCCCCACCATCCTTGCAGACCCGACAGAATTCCATATGGTGGTCATCCTC[CTCT>C]TCGAGGTCTCCCCCAACCTCTTCCAGGATCTCCTCACCCTCCGAATTGTCCTCTTTAGCT-3'